The following is an entry in ClinVar:

NM_000016.6(ACADM):c.12G>T (p.Gly4=)

Gene: ACADM (acyl-CoA dehydrogenase medium chain; plus strand). Cytogenetic location: 1p31.1.
Variant type: single nucleotide variant.
Coding change: c.12G>T on transcript NM_000016.6 (MANE Select); coding-DNA position 12, G replaced by T.
Protein change: p.Gly4=; no amino-acid change (glycine 4 retained).
Molecular consequence: synonymous variant. On other transcripts: 5 prime UTR variant (2).
Genome position (GRCh38, 1-based): chr1:75,724,799, G>T. VCF-style: chr1-75724799-G-T. GRCh37 (hg19) VCF-style: chr1-76190484-G-T.
Other names: c.12G>T (NM_000016.5); c.12G>T, p.Gly4= (NM_001127328.3, NM_001286043.2); c.-9G>T (NM_001286042.2); c.-286G>T (NM_001286044.2).
Identifiers: ClinVar variation 1512550 (VCV001512550.10), dbSNP rs757845443, ClinGen allele CA418538159.

ClinVar aggregate classification (germline): Likely benign. Review status: criteria provided, single submitter (1 of 4 stars). 2 submissions from 2 submitters: Likely benign (1). 1 of the submissions does not count toward it. Last evaluated 2025-10-02.

Conditions:
ACADM-related disorder. Also called: ACADM-related condition.
Medium-chain acyl-coenzyme A dehydrogenase deficiency (ACADMD). Also called: ACADM DEFICIENCY; Medium chain acyl-CoA dehydrogenase deficiency; MCADD; MCAD Deficiency; CARNITINE DEFICIENCY SECONDARY TO MEDIUM-CHAIN ACYL-CoA DEHYDROGENASE DEFICIENCY; MCADH DEFICIENCY. Identifiers: Orphanet 42, MedGen C0220710, MONDO:0008721, OMIM 201450.

gnomAD v4.1: 9 of 1,522,020 alleles (0.00059%); highest among the groups gnomAD compares: African/African-American, 0.0086%; no homozygotes.

Submissions (2):

Labcorp Genetics (formerly Invitae), Labcorp
Classification: Likely benign for Medium-chain acyl-coenzyme A dehydrogenase deficiency. Last evaluated: 2025-10-02. Review status: criteria provided, single submitter. Criteria: Invitae Variant Classification Sherloc (09022015). Collection method: clinical testing. Allele origin: germline.

PreventionGenetics, part of Exact Sciences
Classification: Likely benign for ACADM-related condition. Last evaluated: 2020-09-30. Review status: no assertion criteria provided. Collection method: clinical testing. Allele origin: germline. Not counted in ClinVar's aggregate classification.
Comment: This variant is classified as likely benign based on ACMG/AMP sequence variant interpretation guidelines (Richards et al. 2015 PMID: 25741868, with internal and published modifications).